The following is an entry in ClinVar:

ClinVar aggregate classification (germline): Conflicting classifications of pathogenicity. Review status: criteria provided, conflicting classifications (1 of 4 stars). 2 submissions from 2 submitters: Uncertain significance (1); Likely benign (1). Last evaluated 2025-07-18.

Conditions:
Familial cancer of breast. Also called: Hereditary breast cancer; hereditary breast carcinoma; BREAST CANCER, FAMILIAL. Identifiers: Orphanet 227535, MedGen C0346153, MONDO:0016419, OMIM 114480. Disease mechanism: loss of function.
Fanconi anemia complementation group J. Also called: BRIP1-Related Fanconi Anemia. Identifiers: Orphanet 84, MedGen C1836860, MONDO:0012187, OMIM 609054.
Hereditary cancer-predisposing syndrome. Also called: Hereditary neoplastic syndrome; Tumor predisposition; Neoplastic Syndromes, Hereditary; Hereditary Cancer Syndrome. Identifiers: Orphanet 140162, MedGen C0027672, MeSH D009386, MONDO:0015356.

Submissions (2):

Color Diagnostics, LLC DBA Color Health
Classification: Likely benign for Hereditary cancer-predisposing syndrome. Last evaluated: 2025-07-18. Review status: criteria provided, single submitter. Criteria: ACMG Guidelines, 2015. Collection method: clinical testing. Allele origin: germline.

Labcorp Genetics (formerly Invitae), Labcorp
Classification: Uncertain significance for Familial cancer of breast; Fanconi anemia complementation group J. Last evaluated: 2024-04-17. Review status: criteria provided, single submitter. Criteria: Invitae Variant Classification Sherloc (09022015). Collection method: clinical testing. Allele origin: germline.
Comment: This sequence change replaces glutamic acid, which is acidic and polar, with lysine, which is basic and polar, at codon 1110 of the BRIP1 protein (p.Glu1110Lys). This variant is not present in population databases (gnomAD no frequency). This variant has not been reported in the literature in individuals affected with BRIP1-related conditions. ClinVar contains an entry for this variant (Variation ID: 952055). Algorithms developed to predict the effect of missense changes on protein structure and function output the following: SIFT: "Not Available"; PolyPhen-2: "Benign"; Align-GVGD: "Not Available". The lysine amino acid residue is found in multiple mammalian species, which suggests that this missense change does not adversely affect protein function. In summary, the available evidence is currently insufficient to determine the role of this variant in disease. Therefore, it has been classified as a Variant of Uncertain Significance.

NM_032043.3(BRIP1):c.3328G>A (p.Glu1110Lys)

Gene: BRIP1 (BRCA1 interacting DNA helicase 1; minus strand). Cytogenetic location: 17q23.2.
Variant type: single nucleotide variant.
Coding change: c.3328G>A on transcript NM_032043.3 (MANE Select); coding-DNA position 3328, G replaced by A.
Protein change: p.Glu1110Lys; replaces glutamic acid 1110 with lysine.
Molecular consequence: missense variant.
Genome position (GRCh38, 1-based): chr17:61,683,718, C>T on the plus strand (G>A on the coding strand, the complement: BRIP1 is on the minus strand). VCF-style: chr17-61683718-C-T. GRCh37 (hg19) VCF-style: chr17-59761079-C-T.
Other names: short protein forms E1110K.
Identifiers: ClinVar variation 952055 (VCV000952055.9), dbSNP rs1060501774, ClinGen allele CA400478971.